The following is an entry in ClinVar:

ClinVar aggregate classification (germline): Pathogenic. Review status: criteria provided, multiple submitters, no conflicts (2 of 4 stars). 4 submissions from 4 submitters: Pathogenic (3). 1 of the submissions does not count toward it. Last evaluated 2023-05-23.

Conditions:
Hereditary cancer-predisposing syndrome. Also called: Tumor predisposition; Hereditary neoplastic syndrome; Neoplastic Syndromes, Hereditary; Hereditary Cancer Syndrome. Identifiers: Orphanet 140162, MedGen C0027672, MeSH D009386, MONDO:0015356.
Gastric cancer. Also called: Stomach cancer; Malignant tumor of stomach. Identifiers: MedGen C0024623, MeSH D013274, MONDO:0001056, OMIM 613659, HP:0012126.
Familial cancer of breast. Also called: Hereditary breast cancer; BREAST CANCER, FAMILIAL; hereditary breast carcinoma. Identifiers: Orphanet 227535, MedGen C0346153, MONDO:0016419, OMIM 114480. Disease mechanism: loss of function.

Submissions (4):

Myriad Genetics, Inc.
Classification: Pathogenic for Familial cancer of breast. Last evaluated: 2023-05-23. Review status: criteria provided, single submitter. Criteria: Myriad Autosomal Dominant, Autosomal Recessive and X-Linked Classification Criteria (2023). Collection method: clinical testing. Allele origin: unknown.
Comment: This variant is considered pathogenic. This variant creates a frameshift predicted to result in premature protein truncation.

Ambry Genetics
Classification: Pathogenic for Hereditary cancer-predisposing syndrome. Last evaluated: 2021-09-08. Review status: criteria provided, single submitter. Criteria: Ambry Variant Classification Scheme 2023. Collection method: clinical testing. Allele origin: germline.
Comment: The c.1641_1645dupGAAGA pathogenic mutation, located in coding exon 7 of the BARD1 gene, results from a duplication of GAAGA at nucleotide position 1641, causing a translational frameshift with a predicted alternate stop codon (p.N549Rfs*13). This variant is considered to be rare based on population cohorts in the Genome Aggregation Database (gnomAD). This alteration is expected to result in loss of function by premature protein truncation or nonsense-mediated mRNA decay. As such, this alteration is interpreted as a disease-causing mutation.

Color Diagnostics, LLC DBA Color Health
Classification: Pathogenic for Hereditary cancer-predisposing syndrome. Last evaluated: 2020-05-13. Review status: criteria provided, single submitter. Criteria: ACMG Guidelines, 2015. Collection method: clinical testing. Allele origin: germline.
Comment: This variant inserts 5 nucleotides in exon 7 of the BARD1 gene, creating a frameshift and premature translation stop signal. This variant is expected to result in an absent or non-functional protein product. To our knowledge, this variant has not been reported in individuals affected with hereditary cancer in the literature. This variant has not been identified in the general population by the Genome Aggregation Database (gnomAD). Loss of BARD1 function is a known mechanism of disease. Based on the available evidence, this variant is classified as Pathogenic.

Laboratory for Genotyping Development, RIKEN
Classification: Pathogenic for Gastric cancer. Last evaluated: 2021-07-01. Review status: no assertion criteria provided. Collection method: research. Allele origin: germline. Not counted in ClinVar's aggregate classification.

Literature cited by the submitters: PubMed 36988593 (cited by Laboratory for Genotyping Development, RIKEN).

NM_000465.4(BARD1):c.1641_1645dup (p.Asn549fs)

Gene: BARD1 (BRCA1 associated RING domain 1; minus strand). Cytogenetic location: 2q35.
Variant type: Duplication.
Coding change: c.1641_1645dup on transcript NM_000465.4 (MANE Select); coding-DNA positions 1641 to 1645, 5 bases duplicated (GAAGA; older notation c.1641_1645dupGAAGA).
Protein change: p.Asn549fs; shifts the reading frame from asparagine 549.
Molecular consequence: frameshift variant. On other transcripts: non-coding transcript variant (3), intron variant (1).
Genome position (GRCh38, 1-based): chr2:214,752,479-214,752,483, TCTTC duplicated on the plus strand (GAAGA on the coding strand, the reverse complement: BARD1 is on the minus strand); duplicating any 5 consecutive bases within chr2:214,752,479-214,752,486 gives the same sequence; the c. name uses the placement nearest the transcript's 3' end. VCF-style (leftmost placement, unchanged base first): chr2-214752478-T-TTCTTC. GRCh37 (hg19) VCF-style: chr2-215617202-T-TTCTTC.
Other names: c.1584_1588dup, p.Asn530fs (NM_001282543.2); c.288_292dup, p.Asn98fs (NM_001282545.2); c.231_235dup, p.Asn79fs (NM_001282548.2); c.365-21975_365-21971dup (NM_001282549.2); c.1641_1645dupGAAGA (NM_000465.3, NM_000465.2); short protein forms N549fs, N79fs, N98fs, N530fs.
Identifiers: ClinVar variation 479177 (VCV000479177.28), dbSNP rs1553616361, ClinGen allele CA658657228.
Genomic context (GRCh38, chr2:214,752,478, plus strand): 5'-AAATGTCCCAAAGCTAAATCCATACTTACTACTGAGCAGTGGCTAGCTGAGGATGATTCA[T>TTCTTC]TCTTCTCTGGTAGCAGCAATAGCGATTTCATACTTTCATCATCTGTATAATCGACAGGCC-3'